The following is an entry in ClinVar:

ClinVar aggregate classification (germline): Likely benign. Review status: criteria provided, single submitter (1 of 4 stars). 2 submissions from 2 submitters: Likely benign (1). 1 of the submissions does not count toward it. Last evaluated 2024-05-15.

Conditions:
RAI1-related disorder. Also called: RAI1-related condition.

Allele frequency attached by ClinVar (database versions not stated): gnomAD exomes below 0.00001; TOPMed below 0.00001.
gnomAD v4.1: 3 of 1,614,076 alleles (0.00019%); highest among the groups gnomAD compares: Admixed American, 0.0033%; no homozygotes.

Submissions (2):

Labcorp Genetics (formerly Invitae), Labcorp
Classification: Likely benign. Last evaluated: 2024-05-15. Review status: criteria provided, single submitter. Criteria: Invitae Variant Classification Sherloc (09022015). Collection method: clinical testing. Allele origin: germline.

PreventionGenetics, part of Exact Sciences
Classification: Likely benign for RAI1-related condition. Last evaluated: 2021-11-05. Review status: no assertion criteria provided. Collection method: clinical testing. Allele origin: germline. Not counted in ClinVar's aggregate classification.
Comment: This variant is classified as likely benign based on ACMG/AMP sequence variant interpretation guidelines (Richards et al. 2015 PMID: 25741868, with internal and published modifications).

NM_030665.4(RAI1):c.4593C>T (p.Tyr1531=)

Gene: RAI1 (retinoic acid induced 1; plus strand). Cytogenetic location: 17p11.2.
Variant type: single nucleotide variant.
Coding change: c.4593C>T on transcript NM_030665.4 (MANE Select); coding-DNA position 4593, C replaced by T.
Protein change: p.Tyr1531=; no amino-acid change (tyrosine 1531 retained).
Molecular consequence: synonymous variant.
Genome position (GRCh38, 1-based): chr17:17,797,541, C>T. VCF-style: chr17-17797541-C-T. GRCh37 (hg19) VCF-style: chr17-17700855-C-T.
Other names: c.4593C>T (NM_030665.3).
Identifiers: ClinVar variation 2787954 (VCV002787954.4), dbSNP rs1324814342, ClinGen allele CA498425289.
Genomic context (GRCh38, chr17:17,797,541, plus strand): 5'-GGAGGGCAGGCCCTGCCAGCCCCAGACAAGGGCACAGAAACAGCCAGGCCACACCAACTA[C>T]AGCAGCTATTCCAAGCGGAAGCGCCTCACTCGGGGCCGGGCCAAGAACACCACCTCTTCA-3'
Protein context (NP_109590.3, residues 1521-1541): RAQKQPGHTN[Tyr1531=]SSYSKRKRLT